The following is an entry in ClinVar:

ClinVar aggregate classification (germline): Likely pathogenic (1 of 4 stars; one submission).

Conditions:
Ellis-van Creveld syndrome (EVC). Also called: Chondroectodermal dysplasia; MESOECTODERMAL DYSPLASIA. Identifiers: Orphanet 289, MedGen C0013903, MONDO:0009162, OMIM 225500.

Submission:

Myriad Genetics, Inc.
Classification: Likely pathogenic for Ellis-van Creveld syndrome. Last evaluated: 2025-09-17. Review status: criteria provided, single submitter. Criteria: Myriad Autosomal Dominant, Autosomal Recessive and X-Linked Classification Criteria (2023). Collection method: clinical testing. Allele origin: unknown.
Comment: NM_153717.2(EVC):c.616_617+6del8ins27 is a variant in a canonical splice site classified as likely pathogenic in the context of EVC-related Ellis-van Creveld syndrome. c.616_617+6del8ins27 has not been observed in cases with relevant disease. Relevant functional assessments of this variant are not available in the literature. c.616_617+6del8ins27 has not been observed in referenced population frequency databases. In summary, NM_153717.2(EVC):c.616_617+6del8ins27 is a variant in a canonical splice site in a gene where loss of function is a known mechanism of disease and is predicted to disrupt protein function. Please note: this variant was assessed in the context of healthy population screening.

NM_153717.3(EVC):c.616_617+6delinsTGCTGGCCTGAAGTGCTGGCTCTCCTT

Gene: EVC (EvC ciliary complex subunit 1; plus strand). Cytogenetic location: 4p16.2.
Variant type: Indel.
Coding change: c.616_617+6delinsTGCTGGCCTGAAGTGCTGGCTCTCCTT on transcript NM_153717.3 (MANE Select); coding-DNA position 616 through 6 bases into the intron after coding-DNA position 617, AGGTAAGG replaced by TGCTGGCCTGAAGTGCTGGCTCTCCTT.
Molecular consequence: splice donor variant.
Genome position (GRCh38, 1-based): chr4:5,731,656-5,731,663, AGGTAAGG replaced by TGCTGGCCTGAAGTGCTGGCTCTCCTT. GRCh37 (hg19): chr4:5,733,383-5,733,390.
Other names: c.616_617+6delinsTGCTGGCCTGAAGTGCTGGCTCTCCTT (NM_001306090.2, NM_001306092.2).
Identifiers: ClinVar variation 5004169 (VCV005004169.1).